The following is an entry in ClinVar:

ClinVar aggregate classification (germline): Uncertain significance (1 of 4 stars; one submission).

gnomAD v4.1: 1 of 1,614,028 alleles (0.000062%); highest among the groups gnomAD compares: South Asian, 0.0011%; no homozygotes.

Submission:

Labcorp Genetics (formerly Invitae), Labcorp
Classification: Uncertain significance. Last evaluated: 2024-06-27. Review status: criteria provided, single submitter. Criteria: Invitae Variant Classification Sherloc (09022015). Collection method: clinical testing. Allele origin: germline.
Comment: This sequence change falls in intron 29 of the DUOX2 gene. It does not directly change the encoded amino acid sequence of the DUOX2 protein. It affects a nucleotide within the consensus splice site. This variant is not present in population databases (gnomAD no frequency). This variant has not been reported in the literature in individuals affected with DUOX2-related conditions. Variants that disrupt the consensus splice site are a relatively common cause of aberrant splicing (PMID: 17576681, 9536098). Algorithms developed to predict the effect of sequence changes on RNA splicing suggest that this variant is not likely to affect RNA splicing. In summary, the available evidence is currently insufficient to determine the role of this variant in disease. Therefore, it has been classified as a Variant of Uncertain Significance.

Literature cited by the submitters: PubMed 17576681; PubMed 9536098.

NM_001363711.2(DUOX2):c.3847+4T>C

Gene: DUOX2 (dual oxidase 2; minus strand). Cytogenetic location: 15q21.1.
Variant type: single nucleotide variant.
Coding change: c.3847+4T>C on transcript NM_001363711.2 (MANE Select); 4 bases into the intron after coding-DNA position 3847, T replaced by C.
Molecular consequence: intron variant.
Genome position (GRCh38, 1-based): chr15:45,097,234, A>G on the plus strand (T>C on the coding strand, the complement: DUOX2 is on the minus strand). VCF-style: chr15-45097234-A-G. GRCh37 (hg19) VCF-style: chr15-45389432-A-G.
Other names: c.3847+4T>C (NM_014080.5).
Identifiers: ClinVar variation 3651505 (VCV003651505.2).
Genomic context (GRCh38, chr15:45,097,234, plus strand): 5'-GTCTCCCCATGTCTGAAGATTTGGCCTCTGTCGCTCCCGACCCAGGTCAGGCTGGGCCTG[A>G]TACCTGAGGGCAGCAGCTCCGCCTTCACCACGCTGATCTCCACCTTCTTCCGGCTCAGGC-3'